The following is an entry in ClinVar:

ClinVar aggregate classification (germline): Uncertain significance. Review status: criteria provided, multiple submitters, no conflicts (2 of 4 stars). 2 submissions from 2 submitters: Uncertain significance (2). Last evaluated 2025-09-23.

Conditions:
Cutis laxa, X-linked (OHS). Also called: EDS IX; Occipital horn syndrome. Identifiers: Orphanet 198, MedGen C0268353, MONDO:0010572, OMIM 304150.
X-linked distal spinal muscular atrophy type 3. Also called: ATP7A-Related Distal Motor Neuropathy; SPINAL MUSCULAR ATROPHY, DISTAL, X-LINKED RECESSIVE; NEURONOPATHY, DISTAL HEREDITARY MOTOR, X-LINKED; NEUROPATHY, DISTAL HEREDITARY MOTOR, X-LINKED. Identifiers: Orphanet 139557, MedGen C1845359, MONDO:0010338, OMIM 300489.
Menkes kinky-hair syndrome (MNK). Also called: Classic Menkes Disease; Copper transport disease; Menkes Disease. Identifiers: Orphanet 565, MedGen C0022716, MONDO:0010651, OMIM 309400.

gnomAD v4.1: 2 of 1,205,184 alleles (0.00017%); highest among the groups gnomAD compares: Non-Finnish European, 0.00022%; no homozygotes.

Submissions (2):

Labcorp Genetics (formerly Invitae), Labcorp
Classification: Uncertain significance for X-linked distal spinal muscular atrophy type 3; Cutis laxa, X-linked; Menkes kinky-hair syndrome. Last evaluated: 2025-09-23. Review status: criteria provided, single submitter. Criteria: Invitae Variant Classification Sherloc (09022015). Collection method: clinical testing. Allele origin: germline.
Comment: This sequence change replaces isoleucine, which is neutral and non-polar, with phenylalanine, which is neutral and non-polar, at codon 622 of the ATP7A protein (p.Ile622Phe). This variant is not present in population databases (gnomAD no frequency). This variant has not been reported in the literature in individuals affected with ATP7A-related conditions. ClinVar contains an entry for this variant (Variation ID: 3366158). Invitae Evidence Modeling of protein sequence and biophysical properties (such as structural, functional, and spatial information, amino acid conservation, physicochemical variation, residue mobility, and thermodynamic stability) indicates that this missense variant is not expected to disrupt ATP7A protein function with a negative predictive value of 95%. In summary, the available evidence is currently insufficient to determine the role of this variant in disease. Therefore, it has been classified as a Variant of Uncertain Significance.

GeneDx
Classification: Uncertain significance. Last evaluated: 2023-10-17. Review status: criteria provided, single submitter. Criteria: GeneDx Variant Classification Process June 2021. Collection method: clinical testing. Allele origin: germline. Affected: yes.
Comment: Not observed at significant frequency in large population cohorts (gnomAD); In silico analysis supports that this missense variant has a deleterious effect on protein structure/function; Has not been previously published as pathogenic or benign to our knowledge

NM_000052.7(ATP7A):c.1864A>T (p.Ile622Phe)

Gene: ATP7A (ATPase copper transporting alpha; plus strand). Cytogenetic location: Xq21.1.
Variant type: single nucleotide variant.
Coding change: c.1864A>T on transcript NM_000052.7 (MANE Select); coding-DNA position 1864, A replaced by T.
Protein change: p.Ile622Phe; replaces isoleucine 622 with phenylalanine.
Molecular consequence: missense variant.
Genome position (GRCh38, 1-based): chrX:78,009,258, A>T. VCF-style: chrX-78009258-A-T. GRCh37 (hg19) VCF-style: chrX-77264755-A-T.
Other names: c.1864A>T, p.Ile622Phe (NM_001282224.2); short protein forms I622F.
Identifiers: ClinVar variation 3366158 (VCV003366158.2).